The following is an entry in ClinVar:

NM_021978.4(ST14):c.2337C>A (p.Leu779=)

Gene: ST14 (ST14 transmembrane serine protease matriptase; plus strand). Cytogenetic location: 11q24.3.
Variant type: single nucleotide variant.
Coding change: c.2337C>A on transcript NM_021978.4 (MANE Select); coding-DNA position 2337, C replaced by A.
Protein change: p.Leu779=; no amino-acid change (leucine 779 retained).
Molecular consequence: synonymous variant.
Genome position (GRCh38, 1-based): chr11:130,209,509, C>A. VCF-style: chr11-130209509-C-A. GRCh37 (hg19) VCF-style: chr11-130079404-C-A.
Identifiers: ClinVar variation 3035265 (VCV003035265.2), dbSNP rs928145191, ClinGen allele CA230708100.
Genomic context (GRCh38, chr11:130,209,509, plus strand): 5'-CGCGCTGATCCTGCAAAAGGGTGAGATCCGCGTCATCAACCAGACCACCTGCGAGAACCT[C>A]CTGCCGCAGCAGATCACGCCGCGCATGATGTGCGTGGGCTTCCTCAGCGGCGGCGTGGAC-3'
Protein context (NP_068813.1, residues 769-789): RVINQTTCEN[Leu779=]LPQQITPRMM

ClinVar aggregate classification (germline): Likely benign (0 of 4 stars; one submission).

Conditions:
ST14-related disorder. Also called: ST14-related condition.

Allele frequency attached by ClinVar (database versions not stated): TOPMed below 0.00001; gnomAD 0.00001.

Submission:

PreventionGenetics, part of Exact Sciences
Classification: Likely benign for ST14-related condition. Last evaluated: 2019-08-14. Review status: no assertion criteria provided. Collection method: clinical testing. Allele origin: germline.
Comment: This variant is classified as likely benign based on ACMG/AMP sequence variant interpretation guidelines (Richards et al. 2015 PMID: 25741868, with internal and published modifications).